The following is an entry in ClinVar:

ClinVar aggregate classification (germline): Uncertain significance (1 of 4 stars; one submission).

Allele frequency attached by ClinVar (database versions not stated): gnomAD 0.00005; TOPMed 0.00005; ESP Exome Variant Server 0.00015; 1000 Genomes Project 30x 0.00016; gnomAD exomes 0.00001; 1000 Genomes Project 0.00020; ExAC 0.00002.
gnomAD v4.1: 13 of 1,612,400 alleles (0.00081%); highest among the groups gnomAD compares: African/African-American, 0.008%; no homozygotes.

Submission:

Labcorp Genetics (formerly Invitae), Labcorp
Classification: Uncertain significance. Last evaluated: 2022-03-02. Review status: criteria provided, single submitter. Criteria: Invitae Variant Classification Sherloc (09022015). Collection method: clinical testing. Allele origin: germline.
Comment: In summary, the available evidence is currently insufficient to determine the role of this variant in disease. Therefore, it has been classified as a Variant of Uncertain Significance. Algorithms developed to predict the effect of sequence changes on RNA splicing suggest that this variant may create or strengthen a splice site. Algorithms developed to predict the effect of missense changes on protein structure and function output the following: SIFT: "Tolerated"; PolyPhen-2: "Benign"; Align-GVGD: "Class C0". The glutamine amino acid residue is found in multiple mammalian species, which suggests that this missense change does not adversely affect protein function. This variant has not been reported in the literature in individuals affected with ASPM-related conditions. This variant is present in population databases (rs373023853, gnomAD 0.01%). This sequence change replaces arginine, which is basic and polar, with glutamine, which is neutral and polar, at codon 2842 of the ASPM protein (p.Arg2842Gln).

NM_018136.5(ASPM):c.8525G>A (p.Arg2842Gln)

Gene: ASPM (assembly factor for spindle microtubules; minus strand). Cytogenetic location: 1q31.3.
Variant type: single nucleotide variant.
Coding change: c.8525G>A on transcript NM_018136.5 (MANE Select); coding-DNA position 8525, G replaced by A.
Protein change: p.Arg2842Gln; replaces arginine 2842 with glutamine.
Molecular consequence: missense variant. On other transcripts: intron variant (1).
Genome position (GRCh38, 1-based): chr1:197,100,726, C>T on the plus strand (G>A on the coding strand, the complement: ASPM is on the minus strand). VCF-style: chr1-197100726-C-T. GRCh37 (hg19) VCF-style: chr1-197069856-C-T.
Other names: c.4066-4562G>A (NM_001206846.2); short protein forms R2842Q.
Identifiers: ClinVar variation 1429851 (VCV001429851.7), dbSNP rs373023853, ClinGen allele CA1309207.
Genomic context (GRCh38, chr1:197,100,726, plus strand): 5'-GCTCTTTTCTGCTGAACAAATCTTCTCCGATACACAGCCATCTGAAGGAAGAACTGAATC[C>T]GTAGGGCAGCACATTTCTGTGTTTCCAGTTTTCTTGTGACCATTCTACAAAAAGCTTTTT-3'
Protein context (NP_060606.3, residues 2832-2852): KLETQKCAAL[Arg2842Gln]IQFFLQMAVY